The following is an entry in ClinVar:

NM_000268.4(NF2):c.832A>G (p.Lys278Glu)

Gene: NF2 (NF2, moesin-ezrin-radixin like (MERLIN) tumor suppressor; plus strand). Cytogenetic location: 22q12.2.
Variant type: single nucleotide variant.
Coding change: c.832A>G on transcript NM_000268.4 (MANE Select); coding-DNA position 832, A replaced by G.
Protein change: p.Lys278Glu; replaces lysine 278 with glutamic acid.
Molecular consequence: missense variant. On other transcripts: non-coding transcript variant (1), intron variant (1).
Genome position (GRCh38, 1-based): chr22:29,665,011, A>G. VCF-style: chr22-29665011-A-G. GRCh37 (hg19) VCF-style: chr22-30061000-A-G.
Other names: c.718A>G, p.Lys240Glu (NM_001407053.1, NM_001407056.1); c.709A>G, p.Lys237Glu (NM_001407054.1, NM_001407058.1, NM_181829.3); c.706A>G, p.Lys236Glu (NM_001407055.1, NM_181828.3); c.697A>G, p.Lys233Glu (NM_001407057.1, NM_001407059.1); c.832A>G, p.Lys278Glu (NM_001407060.1, NM_001407066.1, NM_016418.5 and 2 more transcripts); c.574A>G, p.Lys192Glu (NM_001407062.1); c.583A>G, p.Lys195Glu (NM_001407063.1, NM_001407064.1, NM_181830.3 and 1 more transcripts); c.298A>G, p.Lys100Glu (NM_001407065.1); and 2 more; short protein forms K236E, K100E, K240E, K278E, K192E, K233E, K195E, K201E.
Identifiers: ClinVar variation 3299409 (VCV003299409.1).
Genomic context (GRCh38, chr22:29,665,011, plus strand): 5'-GCTGTCGGACTGAAACTGTGTTCTGCTTCATTCTTCCAGTTTACTATTAAACCACTGGAT[A>G]AGAAAATTGATGTCTTCAAGTTTAACTCCTCAAAGCTTCGTGTTAATAAGCTGGTAAGTT-3'
Protein context (NP_000259.1, residues 268-288): DKEFTIKPLD[Lys278Glu]KIDVFKFNSS

ClinVar aggregate classification (germline): Uncertain significance (1 of 4 stars; one submission).

Conditions:
Hereditary cancer-predisposing syndrome. Also called: Tumor predisposition; Hereditary Cancer Syndrome; Hereditary neoplastic syndrome; Neoplastic Syndromes, Hereditary. Identifiers: Orphanet 140162, MedGen C0027672, MeSH D009386, MONDO:0015356.

Submission:

Ambry Genetics
Classification: Uncertain significance for Hereditary cancer-predisposing syndrome. Last evaluated: 2024-03-17. Review status: criteria provided, single submitter. Criteria: Ambry Variant Classification Scheme 2023. Collection method: clinical testing. Allele origin: germline.
Comment: The p.K278E variant (also known as c.832A>G), located in coding exon 9 of the NF2 gene, results from an A to G substitution at nucleotide position 832. The lysine at codon 278 is replaced by glutamic acid, an amino acid with similar properties. This amino acid position is conserved. In addition, the in silico prediction for this alteration is inconclusive. Based on the available evidence, the clinical significance of this alteration remains unclear.